The following is an entry in ClinVar:

NM_001365999.1(SZT2):c.7687G>T (p.Ala2563Ser)

Gene: SZT2 (SZT2 subunit of KICSTOR complex; plus strand). Cytogenetic location: 1p34.2.
Variant type: single nucleotide variant.
Coding change: c.7687G>T on transcript NM_001365999.1 (MANE Select); coding-DNA position 7687, G replaced by T.
Protein change: p.Ala2563Ser; replaces alanine 2563 with serine.
Molecular consequence: missense variant.
Genome position (GRCh38, 1-based): chr1:43,441,763, G>T. VCF-style: chr1-43441763-G-T. GRCh37 (hg19) VCF-style: chr1-43907434-G-T.
Other names: c.7516G>T, p.Ala2506Ser (NM_015284.4); short protein forms A2506S, A2563S.
Identifiers: ClinVar variation 1965504 (VCV001965504.5), dbSNP rs201491437, ClinGen allele CA340035798.

ClinVar aggregate classification (germline): Uncertain significance (1 of 4 stars; one submission).

gnomAD v4.1: 1 of 1,614,168 alleles (0.000062%); no homozygotes.

Submission:

Labcorp Genetics (formerly Invitae), Labcorp
Classification: Uncertain significance. Last evaluated: 2022-05-12. Review status: criteria provided, single submitter. Criteria: Invitae Variant Classification Sherloc (09022015). Collection method: clinical testing. Allele origin: germline.
Comment: In summary, the available evidence is currently insufficient to determine the role of this variant in disease. Therefore, it has been classified as a Variant of Uncertain Significance. Algorithms developed to predict the effect of missense changes on protein structure and function output the following: SIFT: "Tolerated"; PolyPhen-2: "Benign"; Align-GVGD: "Class C0". The serine amino acid residue is found in multiple mammalian species, which suggests that this missense change does not adversely affect protein function. This variant has not been reported in the literature in individuals affected with SZT2-related conditions. This variant is not present in population databases (gnomAD no frequency). This sequence change replaces alanine, which is neutral and non-polar, with serine, which is neutral and polar, at codon 2506 of the SZT2 protein (p.Ala2506Ser).